The following is an entry in ClinVar:

ClinVar aggregate classification (germline): Uncertain significance (1 of 4 stars; one submission).

Allele frequency attached by ClinVar (database versions not stated): ExAC 0.00006; gnomAD exomes 0.00006; TOPMed 0.00003.
gnomAD v4.1: 22 of 1,608,224 alleles (0.0014%); highest among the groups gnomAD compares: Admixed American, 0.033%; no homozygotes.

Submission:

Labcorp Genetics (formerly Invitae), Labcorp
Classification: Uncertain significance. Last evaluated: 2024-11-05. Review status: criteria provided, single submitter. Criteria: Invitae Variant Classification Sherloc (09022015). Collection method: clinical testing. Allele origin: germline.
Comment: This sequence change falls in intron 31 of the NBAS gene. It does not directly change the encoded amino acid sequence of the NBAS protein. It affects a nucleotide within the consensus splice site. This variant is present in population databases (rs753569695, gnomAD 0.05%). This variant has not been reported in the literature in individuals affected with NBAS-related conditions. ClinVar contains an entry for this variant (Variation ID: 1348209). Variants that disrupt the consensus splice site are a relatively common cause of aberrant splicing (PMID: 17576681, 9536098). Algorithms developed to predict the effect of sequence changes on RNA splicing suggest that this variant may create or strengthen a splice site. In summary, the available evidence is currently insufficient to determine the role of this variant in disease. Therefore, it has been classified as a Variant of Uncertain Significance.

Literature cited by the submitters: PubMed 17576681; PubMed 9536098.

NM_015909.4(NBAS):c.3703+5G>T

Gene: NBAS (NBAS subunit of NRZ tethering complex; minus strand). Cytogenetic location: 2p24.3.
Variant type: single nucleotide variant.
Coding change: c.3703+5G>T on transcript NM_015909.4 (MANE Select); 5 bases into the intron after coding-DNA position 3703, G replaced by T.
Molecular consequence: intron variant.
Genome position (GRCh38, 1-based): chr2:15,374,603, C>A on the plus strand (G>T on the coding strand, the complement: NBAS is on the minus strand). VCF-style: chr2-15374603-C-A. GRCh37 (hg19) VCF-style: chr2-15514727-C-A.
Identifiers: ClinVar variation 1348209 (VCV001348209.5), dbSNP rs753569695, ClinGen allele CA1535956.
Genomic context (GRCh38, chr2:15,374,603, plus strand): 5'-AAAGAATACTAGTAAATTGCTGCAATATAAGTTAGTAACAATGCAACAGTAAGTAGAAAA[C>A]TCACCTTGCAAAGGCAGGATCTTTACCCCAAATTCTTCAAGACATCCAACGGCTTGGATA-3'